The following is an entry in ClinVar:

ClinVar aggregate classification (germline): Uncertain significance (1 of 4 stars; one submission).

Submission:

Ambry Genetics
Classification: Uncertain significance. Last evaluated: 2023-04-09. Review status: criteria provided, single submitter. Criteria: Ambry Variant Classification Scheme 2023. Collection method: clinical testing. Allele origin: germline.
Comment: The p.Y174C variant (also known as c.521A>G), located in coding exon 4 of the CTNNA3 gene, results from an A to G substitution at nucleotide position 521. The tyrosine at codon 174 is replaced by cysteine, an amino acid with highly dissimilar properties. This amino acid position is conserved. In addition, the in silico prediction for this alteration is inconclusive. Since supporting evidence is limited at this time, the clinical significance of this alteration remains unclear.

NM_013266.4(CTNNA3):c.521A>G (p.Tyr174Cys)

Gene: CTNNA3 (catenin alpha 3; minus strand). Cytogenetic location: 10q21.3.
Variant type: single nucleotide variant.
Coding change: c.521A>G on transcript NM_013266.4 (MANE Select); coding-DNA position 521, A replaced by G.
Protein change: p.Tyr174Cys; replaces tyrosine 174 with cysteine.
Molecular consequence: missense variant.
Genome position (GRCh38, 1-based): chr10:67,521,900, T>C on the plus strand (A>G on the coding strand, the complement: CTNNA3 is on the minus strand). VCF-style: chr10-67521900-T-C. GRCh37 (hg19) VCF-style: chr10-69281658-T-C.
Other names: c.521A>G, p.Tyr174Cys (NM_001127384.3); c.557A>G, p.Tyr186Cys (NM_001291133.2); short protein forms Y174C, Y186C.
Identifiers: ClinVar variation 2564940 (VCV002564940.2), dbSNP rs2492398434, ClinGen allele CA377097552.